The following is an entry in ClinVar:

ClinVar aggregate classification (germline): Likely pathogenic (1 of 4 stars; one submission).

Conditions:
Charcot-Marie-Tooth disease type 2. Also called: Charcot-Marie-Tooth type 2. Identifiers: Orphanet 64746, MedGen C0270914, MONDO:0018993.

Submission:

Labcorp Genetics (formerly Invitae), Labcorp
Classification: Likely pathogenic for Charcot-Marie-Tooth disease type 2. Last evaluated: 2022-11-29. Review status: criteria provided, single submitter. Criteria: Invitae Variant Classification Sherloc (09022015). Collection method: clinical testing. Allele origin: germline.
Comment: In summary, the currently available evidence indicates that the variant is pathogenic, but additional data are needed to prove that conclusively. Therefore, this variant has been classified as Likely Pathogenic. This variant disrupts the p.Asn39 amino acid residue in LMNA. Other variant(s) that disrupt this residue have been determined to be pathogenic (PMID: 17377071, 18551513, 20837309, 21632249, 24508248, 26098624). This suggests that this residue is clinically significant, and that variants that disrupt this residue are likely to be disease-causing. Advanced modeling of protein sequence and biophysical properties (such as structural, functional, and spatial information, amino acid conservation, physicochemical variation, residue mobility, and thermodynamic stability) performed at Invitae indicates that this missense variant is expected to disrupt LMNA protein function. ClinVar contains an entry for this variant (Variation ID: 649203). This variant has not been reported in the literature in individuals affected with LMNA-related conditions. This variant is not present in population databases (gnomAD no frequency). This sequence change replaces asparagine, which is neutral and polar, with isoleucine, which is neutral and non-polar, at codon 39 of the LMNA protein (p.Asn39Ile).

Literature cited by the submitters: PubMed 17377071; PubMed 18551513; PubMed 20837309; PubMed 21632249; PubMed 24508248; PubMed 26098624.

NM_170707.4(LMNA):c.116A>T (p.Asn39Ile)

Gene: LMNA (lamin A/C; plus strand). Cytogenetic location: 1q22.
Variant type: single nucleotide variant.
Coding change: c.116A>T on transcript NM_170707.4 (MANE Select); coding-DNA position 116, A replaced by T.
Protein change: p.Asn39Ile; replaces asparagine 39 with isoleucine.
Molecular consequence: missense variant.
Genome position (GRCh38, 1-based): chr1:156,115,034, A>T. VCF-style: chr1-156115034-A-T. GRCh37 (hg19) VCF-style: chr1-156084825-A-T.
Other names: c.116A>T, p.Asn39Ile (NM_001282625.2, NM_001282626.2, NM_005572.4 and 1 more transcripts); short protein forms N39I.
Identifiers: ClinVar variation 649203 (VCV000649203.8), dbSNP rs57983345, ClinGen allele CA342807683.
Genomic context (GRCh38, chr1:156,115,034, plus strand): 5'-CTCCGCTGTCGCCCACCCGCATCACCCGGCTGCAGGAGAAGGAGGACCTGCAGGAGCTCA[A>T]TGATCGCTTGGCGGTCTACATCGACCGTGTGCGCTCGCTGGAAACGGAGAACGCAGGGCT-3'
Protein context (NP_733821.1, residues 29-49): LQEKEDLQEL[Asn39Ile]DRLAVYIDRV